The following is an entry in ClinVar:

NM_001378454.1(ALMS1):c.4096C>T (p.Pro1366Ser)

Gene: ALMS1 (ALMS1 centrosome and basal body associated protein; plus strand). Cytogenetic location: 2p13.1.
Variant type: single nucleotide variant.
Coding change: c.4096C>T on transcript NM_001378454.1 (MANE Select); coding-DNA position 4096, C replaced by T.
Protein change: p.Pro1366Ser; replaces proline 1366 with serine.
Molecular consequence: missense variant.
Genome position (GRCh38, 1-based): chr2:73,450,623, C>T. VCF-style: chr2-73450623-C-T. GRCh37 (hg19) VCF-style: chr2-73677750-C-T.
Other names: c.4099C>T, p.Pro1367Ser (NM_015120.4); short protein forms P1366S, P1367S.
Identifiers: ClinVar variation 1737797 (VCV001737797.2), dbSNP rs2466100520, ClinGen allele CA347277452.

ClinVar aggregate classification (germline): Uncertain significance (1 of 4 stars; one submission).

Conditions:
Cardiovascular phenotype. Identifiers: MedGen CN230736.

Submission:

Ambry Genetics
Classification: Uncertain significance for Cardiovascular phenotype. Last evaluated: 2020-03-27. Review status: criteria provided, single submitter. Criteria: Ambry Variant Classification Scheme 2023. Collection method: clinical testing. Allele origin: germline.
Comment: The p.P1367S variant (also known as c.4099C>T), located in coding exon 8 of the ALMS1 gene, results from a C to T substitution at nucleotide position 4099. The proline at codon 1367 is replaced by serine, an amino acid with similar properties. This amino acid position is not well conserved in available vertebrate species. In addition, this alteration is predicted to be tolerated by in silico analysis. Since supporting evidence is limited at this time, the clinical significance of this alteration remains unclear.